The following is an entry in ClinVar:

NM_001367721.1(CASK):c.1715G>A (p.Arg572His)

Gene: CASK (calcium/calmodulin dependent serine protein kinase; minus strand). Cytogenetic location: Xp11.4.
Variant type: single nucleotide variant.
Coding change: c.1715G>A on transcript NM_001367721.1 (MANE Select); coding-DNA position 1715, G replaced by A.
Protein change: p.Arg572His; replaces arginine 572 with histidine.
Molecular consequence: missense variant.
Genome position (GRCh38, 1-based): chrX:41,559,801, C>T on the plus strand (G>A on the coding strand, the complement: CASK is on the minus strand). VCF-style: chrX-41559801-C-T. GRCh37 (hg19) VCF-style: chrX-41419054-C-T.
Other names: c.1715G>A (NM_003688.3); c.1715G>A, p.Arg572His (NM_001126054.3, NM_003688.4); c.1697G>A, p.Arg566His (NM_001126055.3, NM_001410745.1); short protein forms R566H, R572H.
Identifiers: ClinVar variation 2966790 (VCV002966790.4), dbSNP rs146282743, ClinGen allele CA329230827.

ClinVar aggregate classification (germline): Uncertain significance. Review status: criteria provided, multiple submitters, no conflicts (2 of 4 stars). 2 submissions from 2 submitters: Uncertain significance (2). Last evaluated 2025-05-29.

Conditions:
Intellectual disability, CASK-related, X-linked. Identifiers: MedGen CN043158.

Allele frequency attached by ClinVar (database versions not stated): gnomAD exomes below 0.00001; gnomAD 0.00001; TOPMed 0.00001; ESP Exome Variant Server 0.00009.
gnomAD v4.1: 6 of 1,208,234 alleles (0.0005%); highest among the groups gnomAD compares: Middle Eastern, 0.023%; no homozygotes.

Submissions (2):

GeneDx
Classification: Uncertain significance. Last evaluated: 2025-05-29. Review status: criteria provided, single submitter. Criteria: GeneDx Variant Classification Process June 2021. Collection method: clinical testing. Allele origin: germline. Affected: yes.
Comment: Not observed at significant frequency in large population cohorts (gnomAD); In silico analysis supports that this missense variant has a deleterious effect on protein structure/function; Has not been previously published as pathogenic or benign to our knowledge

Labcorp Genetics (formerly Invitae), Labcorp
Classification: Uncertain significance for Intellectual disability, CASK-related, X-linked. Last evaluated: 2024-01-10. Review status: criteria provided, single submitter. Criteria: Invitae Variant Classification Sherloc (09022015). Collection method: clinical testing. Allele origin: germline.
Comment: This sequence change replaces arginine, which is basic and polar, with histidine, which is basic and polar, at codon 572 of the CASK protein (p.Arg572His). This variant is not present in population databases (gnomAD no frequency). This variant has not been reported in the literature in individuals affected with CASK-related conditions. Advanced modeling of protein sequence and biophysical properties (such as structural, functional, and spatial information, amino acid conservation, physicochemical variation, residue mobility, and thermodynamic stability) has been performed at Invitae for this missense variant, however the output from this modeling did not meet the statistical confidence thresholds required to predict the impact of this variant on CASK protein function. In summary, the available evidence is currently insufficient to determine the role of this variant in disease. Therefore, it has been classified as a Variant of Uncertain Significance.